The following is an entry in ClinVar:

NM_002234.4(KCNA5):c.91G>C (p.Gly31Arg)

Gene: KCNA5 (potassium voltage-gated channel subfamily A member 5; plus strand). Cytogenetic location: 12p13.32.
Variant type: single nucleotide variant.
Coding change: c.91G>C on transcript NM_002234.4 (MANE Select); coding-DNA position 91, G replaced by C.
Protein change: p.Gly31Arg; replaces glycine 31 with arginine.
Molecular consequence: missense variant.
Genome position (GRCh38, 1-based): chr12:5,044,238, G>C. VCF-style: chr12-5044238-G-C. GRCh37 (hg19) VCF-style: chr12-5153404-G-C.
Other names: short protein forms G31R.
Identifiers: ClinVar variation 855013 (VCV000855013.11), dbSNP rs1862742154, ClinGen allele CA383461878.

ClinVar aggregate classification (germline): Uncertain significance (1 of 4 stars; one submission).

Conditions:
Atrial fibrillation, familial, 7 (ATFB7). Identifiers: MedGen C2677106, MONDO:0012828, OMIM 612240.

Submission:

Labcorp Genetics (formerly Invitae), Labcorp
Classification: Uncertain significance for Atrial fibrillation, familial, 7. Last evaluated: 2022-01-23. Review status: criteria provided, single submitter. Criteria: Invitae Variant Classification Sherloc (09022015). Collection method: clinical testing. Allele origin: germline.
Comment: This variant has not been reported in the literature in individuals affected with KCNA5-related conditions. In summary, the available evidence is currently insufficient to determine the role of this variant in disease. Therefore, it has been classified as a Variant of Uncertain Significance. Algorithms developed to predict the effect of missense changes on protein structure and function output the following: SIFT: "Tolerated"; PolyPhen-2: "Benign"; Align-GVGD: "Class C0". The arginine amino acid residue is found in multiple mammalian species, which suggests that this missense change does not adversely affect protein function. ClinVar contains an entry for this variant (Variation ID: 855013). This variant is not present in population databases (gnomAD no frequency). This sequence change replaces glycine, which is neutral and non-polar, with arginine, which is basic and polar, at codon 31 of the KCNA5 protein (p.Gly31Arg).